The following is an entry in ClinVar:

NM_015910.7(WDPCP):c.1817T>C (p.Ile606Thr)

Gene: WDPCP (WD repeat containing planar cell polarity effector; minus strand). Cytogenetic location: 2p15.
Variant type: single nucleotide variant.
Coding change: c.1817T>C on transcript NM_015910.7 (MANE Select); coding-DNA position 1817, T replaced by C.
Protein change: p.Ile606Thr; replaces isoleucine 606 with threonine.
Molecular consequence: missense variant. On other transcripts: non-coding transcript variant (2).
Genome position (GRCh38, 1-based): chr2:63,259,405, A>G on the plus strand (T>C on the coding strand, the complement: WDPCP is on the minus strand). VCF-style: chr2-63259405-A-G. GRCh37 (hg19) VCF-style: chr2-63486540-A-G.
Other names: c.1340T>C, p.Ile447Thr (NM_001042692.3); c.1745T>C, p.Ile582Thr (NM_001354044.2); short protein forms I582T, I606T, I447T.
Identifiers: ClinVar variation 4990564 (VCV004990564.1).

ClinVar aggregate classification (germline): Uncertain significance (1 of 4 stars; one submission).

Conditions:
WDPCP-related disorder. Also called: WDPCP-related condition.

gnomAD v4.1: 1 of 1,609,926 alleles (0.000062%); highest among the groups gnomAD compares: Middle Eastern, 0.017%; no homozygotes.

Submission:

PreventionGenetics, part of Exact Sciences
Classification: Uncertain significance for WDPCP-related condition. Last evaluated: 2025-12-11. Review status: criteria provided, single submitter. Criteria: ACMG Guidelines, 2015. Collection method: clinical testing. Allele origin: germline.
Comment: The WDPCP c.1817T>C variant is predicted to result in the amino acid substitution p.Ile606Thr. To our knowledge, this variant has not been reported in the literature or in a large population database (gnomAD), indicating this variant is rare. At this time, the clinical significance of this variant is uncertain due to the absence of conclusive functional and genetic evidence.